The following is an entry in ClinVar:

NM_145068.4(TRPV3):c.49G>C (p.Ala17Pro)

Gene: TRPV3 (transient receptor potential cation channel subfamily V member 3; minus strand). Cytogenetic location: 17p13.2.
Variant type: single nucleotide variant.
Coding change: c.49G>C on transcript NM_145068.4 (MANE Select); coding-DNA position 49, G replaced by C.
Protein change: p.Ala17Pro; replaces alanine 17 with proline.
Molecular consequence: missense variant.
Genome position (GRCh38, 1-based): chr17:3,554,802, C>G on the plus strand (G>C on the coding strand, the complement: TRPV3 is on the minus strand). VCF-style: chr17-3554802-C-G. GRCh37 (hg19) VCF-style: chr17-3458096-C-G.
Other names: c.49G>C, p.Ala17Pro (NM_001258205.2); short protein forms A17P.
Identifiers: ClinVar variation 2844578 (VCV002844578.3), dbSNP rs374938052, ClinGen allele CA8290045.

ClinVar aggregate classification (germline): Uncertain significance (1 of 4 stars; one submission).

Submission:

Labcorp Genetics (formerly Invitae), Labcorp
Classification: Uncertain significance. Last evaluated: 2023-03-09. Review status: criteria provided, single submitter. Criteria: Invitae Variant Classification Sherloc (09022015). Collection method: clinical testing. Allele origin: germline.
Comment: This sequence change replaces alanine, which is neutral and non-polar, with proline, which is neutral and non-polar, at codon 17 of the TRPV3 protein (p.Ala17Pro). This variant is not present in population databases (gnomAD no frequency). This variant has not been reported in the literature in individuals affected with TRPV3-related conditions. An algorithm developed to predict the effect of missense changes on protein structure and function (PolyPhen-2) suggests that this variant is likely to be tolerated. In summary, the available evidence is currently insufficient to determine the role of this variant in disease. Therefore, it has been classified as a Variant of Uncertain Significance.